The following is an entry in ClinVar:

ClinVar aggregate classification (germline): Uncertain significance (1 of 4 stars; one submission).

Conditions:
Aortic valve disease 2 (AOVD2). Identifiers: MedGen C3542024, MONDO:0013902, OMIM 614823.

Allele frequency attached by ClinVar (database versions not stated): ExAC 0.00001.
gnomAD v4.1: 2 of 1,608,370 alleles (0.00012%); highest among the groups gnomAD compares: African/African-American, 0.0013%; no homozygotes.

Submission:

Labcorp Genetics (formerly Invitae), Labcorp
Classification: Uncertain significance for Aortic valve disease 2. Last evaluated: 2026-01-19. Review status: criteria provided, single submitter. Criteria: Invitae Variant Classification Sherloc (09022015). Collection method: clinical testing. Allele origin: germline.
Comment: This sequence change replaces leucine, which is neutral and non-polar, with proline, which is neutral and non-polar, at codon 368 of the SMAD6 protein (p.Leu368Pro). The frequency data for this variant in the population databases is considered unreliable, as metrics indicate poor data quality at this position in the gnomAD database. This variant has not been reported in the literature in individuals affected with SMAD6-related conditions. ClinVar contains an entry for this variant (Variation ID: 3019974). Invitae Evidence Modeling of protein sequence and biophysical properties (such as structural, functional, and spatial information, amino acid conservation, physicochemical variation, residue mobility, and thermodynamic stability) has been performed for this missense variant. However, the output from this modeling did not meet the statistical confidence thresholds required to predict the impact of this variant on SMAD6 protein function. In summary, the available evidence is currently insufficient to determine the role of this variant in disease. Therefore, it has been classified as a Variant of Uncertain Significance.

NM_005585.5(SMAD6):c.1103T>C (p.Leu368Pro)

Gene: SMAD6 (SMAD family member 6; plus strand). Cytogenetic location: 15q22.31.
Variant type: single nucleotide variant.
Coding change: c.1103T>C on transcript NM_005585.5 (MANE Select); coding-DNA position 1103, T replaced by C.
Protein change: p.Leu368Pro; replaces leucine 368 with proline.
Molecular consequence: missense variant. On other transcripts: non-coding transcript variant (1).
Genome position (GRCh38, 1-based): chr15:66,781,147, T>C. VCF-style: chr15-66781147-T-C. GRCh37 (hg19) VCF-style: chr15-67073485-T-C.
Other names: short protein forms L368P.
Identifiers: ClinVar variation 3019974 (VCV003019974.3), dbSNP rs765675013, ClinGen allele CA7626729.
Genomic context (GRCh38, chr15:66,781,147, plus strand): 5'-CGGTGTACGACCAGGCCGTCAGCATCTTCTACGACCTACCTCAGGGCAGCGGCTTCTGCC[T>C]GGGCCAGCTCAACCTGGAGCAGCGCAGCGAGTCGGTGCGGCGAACGCGCAGCAAGATCGG-3'
Protein context (NP_005576.3, residues 358-378): YDLPQGSGFC[Leu368Pro]GQLNLEQRSE